The following is an entry in ClinVar:

ClinVar aggregate classification (germline): Uncertain significance (1 of 4 stars; one submission).

Conditions:
Inborn genetic diseases. Identifiers: MedGen C0950123, MeSH D030342.

Allele frequency attached by ClinVar (database versions not stated): gnomAD exomes below 0.00001; gnomAD 0.00001; TOPMed 0.00002.
gnomAD v4.1: 3 of 1,614,044 alleles (0.00019%); highest among the groups gnomAD compares: African/African-American, 0.004%; no homozygotes.

Submission:

Ambry Genetics
Classification: Uncertain significance for Inborn genetic diseases. Last evaluated: 2022-11-30. Review status: criteria provided, single submitter. Criteria: Ambry Variant Classification Scheme 2023. Collection method: clinical testing. Allele origin: germline.
Comment: The p.M2155I variant (also known as c.6465G>T), located in coding exon 44 of the LRRK2 gene, results from a G to T substitution at nucleotide position 6465. The methionine at codon 2155 is replaced by isoleucine, an amino acid with highly similar properties. This amino acid position is conserved. In addition, this alteration is predicted to be tolerated by in silico analysis. Since supporting evidence is limited at this time, the clinical significance of this alteration remains unclear.

NM_198578.4(LRRK2):c.6465G>T (p.Met2155Ile)

Gene: LRRK2 (leucine rich repeat kinase 2; plus strand). Cytogenetic location: 12q12.
Variant type: single nucleotide variant.
Coding change: c.6465G>T on transcript NM_198578.4 (MANE Select); coding-DNA position 6465, G replaced by T.
Protein change: p.Met2155Ile; replaces methionine 2155 with isoleucine.
Molecular consequence: missense variant.
Genome position (GRCh38, 1-based): chr12:40,351,622, G>T. VCF-style: chr12-40351622-G-T. GRCh37 (hg19) VCF-style: chr12-40745424-G-T.
Other names: short protein forms M2155I.
Identifiers: ClinVar variation 2447286 (VCV002447286.2), dbSNP rs974632242, ClinGen allele CA235343645.